The following is an entry in ClinVar:

ClinVar aggregate classification (germline): Pathogenic/Likely pathogenic. Review status: criteria provided, multiple submitters, no conflicts (2 of 4 stars). 2 submissions from 2 submitters: Pathogenic (1); Likely pathogenic (1). Last evaluated 2023-09-06.

Conditions:
TGM1-related disorder. Also called: TGM1-related condition.

Submissions (2):

Blueprint Genetics
Classification: Likely pathogenic for TGM1-related disorders. Last evaluated: 2023-09-06. Review status: criteria provided, single submitter. Criteria: ACMG Guidelines, 2015. Collection method: clinical testing. Allele origin: germline. Affected: yes. Observed: 1 variant allele.

Labcorp Genetics (formerly Invitae), Labcorp
Classification: Pathogenic. Last evaluated: 2021-10-23. Review status: criteria provided, single submitter. Criteria: Invitae Variant Classification Sherloc (09022015). Collection method: clinical testing. Allele origin: germline.
Comment: This sequence change creates a premature translational stop signal (p.Val650Glufs*102) in the TGM1 gene. While this is not anticipated to result in nonsense mediated decay, it is expected to disrupt the last 168 amino acid(s) of the TGM1 protein. This variant is not present in population databases (ExAC no frequency). For these reasons, this variant has been classified as Pathogenic. This variant disrupts a region of the TGM1 protein in which other variant(s) (p.Arg760*) have been determined to be pathogenic (PMID: 10914678, 21668430). This suggests that this is a clinically significant region of the protein, and that variants that disrupt it are likely to be disease-causing. Algorithms developed to predict the effect of sequence changes on RNA splicing suggest that this variant may create or strengthen a splice site. This variant has not been reported in the literature in individuals affected with TGM1-related conditions.

Literature cited by the submitters: PubMed 10914678 (cited by Labcorp Genetics (formerly Invitae), Labcorp); PubMed 21668430 (cited by Labcorp Genetics (formerly Invitae), Labcorp).

NM_000359.3(TGM1):c.1947_1948dup (p.Val650fs)

Gene: TGM1 (transglutaminase 1; minus strand). Cytogenetic location: 14q12.
Variant type: Duplication.
Coding change: c.1947_1948dup on transcript NM_000359.3 (MANE Select); coding-DNA positions 1947 to 1948, 2 bases duplicated (AG; older notation c.1947_1948dupAG).
Protein change: p.Val650fs; shifts the reading frame from valine 650.
Molecular consequence: frameshift variant.
Genome position (GRCh38, 1-based): chr14:24,254,804-24,254,805, CT duplicated on the plus strand (AG on the coding strand, the reverse complement: TGM1 is on the minus strand). VCF-style (leftmost placement, unchanged base first): chr14-24254803-A-ACT. GRCh37 (hg19) VCF-style: chr14-24724009-A-ACT.
Other names: short protein forms V650fs.
Identifiers: ClinVar variation 1456402 (VCV001456402.7), dbSNP rs2139019079, ClinGen allele CA2573149795.
Genomic context (GRCh38, chr14:24,254,803, plus strand): 5'-GAGACATTGAGCAGCATGGCCCCCTGGTCCACAAGATGGGGCCGGTATTCCTTGTAGGCC[A>ACT]CTGGCATGGTCACACGGTCCGCTGTGGAGAAGAGGCATGGCGTCACTGAGGCCTGCTTCC-3'